The following is an entry in ClinVar:

NM_178335.3(CCDC50):c.983A>T (p.Lys328Met)

Gene: CCDC50 (coiled-coil domain containing 50; plus strand). Cytogenetic location: 3q28.
Variant type: single nucleotide variant.
Coding change: c.983A>T on transcript NM_178335.3 (MANE Select); coding-DNA position 983, A replaced by T.
Protein change: p.Lys328Met; replaces lysine 328 with methionine.
Molecular consequence: missense variant.
Genome position (GRCh38, 1-based): chr3:191,380,165, A>T. VCF-style: chr3-191380165-A-T. GRCh37 (hg19) VCF-style: chr3-191097954-A-T.
Other names: c.455A>T, p.Lys152Met (NM_174908.4); c.983A>T (NM_178335.2); short protein forms K328M, K152M.
Identifiers: ClinVar variation 2158588 (VCV002158588.5), dbSNP rs935513046, ClinGen allele CA89779844.

ClinVar aggregate classification (germline): Uncertain significance. Review status: criteria provided, multiple submitters, no conflicts (2 of 4 stars). 2 submissions from 2 submitters: Uncertain significance (2). Last evaluated 2025-11-24.

Allele frequency attached by ClinVar (database versions not stated): gnomAD 0.00002; gnomAD exomes 0.00002; TOPMed 0.00003.
gnomAD v4.1: 27 of 1,561,884 alleles (0.0017%); highest among the groups gnomAD compares: Admixed American, 0.005%; no homozygotes.

Submissions (2):

Ambry Genetics
Classification: Uncertain significance. Last evaluated: 2025-11-24. Review status: criteria provided, single submitter. Criteria: Ambry Variant Classification Scheme 2023. Collection method: clinical testing. Allele origin: germline.

Labcorp Genetics (formerly Invitae), Labcorp
Classification: Uncertain significance. Last evaluated: 2022-07-21. Review status: criteria provided, single submitter. Criteria: Invitae Variant Classification Sherloc (09022015). Collection method: clinical testing. Allele origin: germline.
Comment: This variant has not been reported in the literature in individuals affected with CCDC50-related conditions. This variant is not present in population databases (gnomAD no frequency). This sequence change replaces lysine, which is basic and polar, with methionine, which is neutral and non-polar, at codon 328 of the CCDC50 protein (p.Lys328Met). In summary, the available evidence is currently insufficient to determine the role of this variant in disease. Therefore, it has been classified as a Variant of Uncertain Significance. Algorithms developed to predict the effect of missense changes on protein structure and function are either unavailable or do not agree on the potential impact of this missense change (SIFT: "Deleterious"; PolyPhen-2: "Probably Damaging"; Align-GVGD: "Class C0").